The following is an entry in ClinVar:

NM_024529.5(CDC73):c.1480G>A (p.Val494Ile)

Gene: CDC73 (cell division cycle 73; plus strand). Cytogenetic location: 1q31.2.
Variant type: single nucleotide variant.
Coding change: c.1480G>A on transcript NM_024529.5 (MANE Select); coding-DNA position 1480, G replaced by A.
Protein change: p.Val494Ile; replaces valine 494 with isoleucine.
Molecular consequence: missense variant.
Genome position (GRCh38, 1-based): chr1:193,249,792, G>A. VCF-style: chr1-193249792-G-A. GRCh37 (hg19) VCF-style: chr1-193218922-G-A.
Other names: short protein forms V494I.
Identifiers: ClinVar variation 569308 (VCV000569308.15), dbSNP rs1199025166, ClinGen allele CA344078477.

ClinVar aggregate classification (germline): Uncertain significance. Review status: criteria provided, multiple submitters, no conflicts (2 of 4 stars). 4 submissions from 4 submitters: Uncertain significance (4). Last evaluated 2025-12-10.

Conditions:
Hyperparathyroidism 1 (HRPT1). Also called: HYPERPARATHYROIDISM, FAMILIAL ISOLATED PRIMARY. Identifiers: Orphanet 99879, MedGen C1840402, MONDO:0007767, OMIM 145000.
Hyperparathyroidism 2 with jaw tumors. Also called: Hyperparathyroidism 2; Hyperparathyroidism-Jaw Tumor Syndrome; HYPERPARATHYROIDISM, FAMILIAL PRIMARY, WITH MULTIPLE OSSIFYING JAW FIBROMAS; HYPERPARATHYROIDISM-JAW TUMOR SYNDROME, HEREDITARY. Identifiers: Orphanet 99880, MedGen C1704981, MONDO:0007768, OMIM 145001.
Parathyroid carcinoma (PRTC). Also called: CDC73-Related Parathyroid Carcinoma; Parathyroid gland carcinoma. Identifiers: Orphanet 143, MedGen C0687150, MONDO:0012004, OMIM 608266, HP:0006780.
Hereditary cancer-predisposing syndrome. Also called: Hereditary neoplastic syndrome; Neoplastic Syndromes, Hereditary; Hereditary Cancer Syndrome; Tumor predisposition. Identifiers: Orphanet 140162, MedGen C0027672, MeSH D009386, MONDO:0015356.

Allele frequency attached by ClinVar (database versions not stated): gnomAD exomes below 0.00001; TOPMed 0.00001.
gnomAD v4.1: 4 of 1,610,926 alleles (0.00025%); highest among the groups gnomAD compares: Admixed American, 0.0017%; no homozygotes.

Submissions (4):

Labcorp Genetics (formerly Invitae), Labcorp
Classification: Uncertain significance for Parathyroid carcinoma. Last evaluated: 2025-12-10. Review status: criteria provided, single submitter. Criteria: Invitae Variant Classification Sherloc (09022015). Collection method: clinical testing. Allele origin: germline.
Comment: This sequence change replaces valine, which is neutral and non-polar, with isoleucine, which is neutral and non-polar, at codon 494 of the CDC73 protein (p.Val494Ile). This variant is present in population databases (no rsID available, gnomAD 0.003%). This variant has not been reported in the literature in individuals affected with CDC73-related conditions. ClinVar contains an entry for this variant (Variation ID: 569308). Invitae Evidence Modeling of protein sequence and biophysical properties (such as structural, functional, and spatial information, amino acid conservation, physicochemical variation, residue mobility, and thermodynamic stability) has been performed for this missense variant. However, the output from this modeling did not meet the statistical confidence thresholds required to predict the impact of this variant on CDC73 protein function. In summary, the available evidence is currently insufficient to determine the role of this variant in disease. Therefore, it has been classified as a Variant of Uncertain Significance.

Ambry Genetics
Classification: Uncertain significance for Hereditary cancer-predisposing syndrome. Last evaluated: 2025-03-13. Review status: criteria provided, single submitter. Criteria: Ambry Variant Classification Scheme 2023. Collection method: clinical testing. Allele origin: germline.
Comment: The p.V494I variant (also known as c.1480G>A), located in coding exon 16 of the CDC73 gene, results from a G to A substitution at nucleotide position 1480. The valine at codon 494 is replaced by isoleucine, an amino acid with highly similar properties. This amino acid position is highly conserved in available vertebrate species. In addition, the in silico prediction for this alteration is inconclusive. Based on the available evidence, the clinical significance of this variant remains unclear.

Fulgent Genetics
Classification: Uncertain significance for Hyperparathyroidism 1; Hyperparathyroidism 2 with jaw tumors; Parathyroid carcinoma. Last evaluated: 2024-04-08. Review status: criteria provided, single submitter. Criteria: ACMG Guidelines, 2015. Collection method: clinical testing. Allele origin: germline.

GeneDx
Classification: Uncertain significance. Last evaluated: 2024-04-02. Review status: criteria provided, single submitter. Criteria: GeneDx Variant Classification Process June 2021. Collection method: clinical testing. Allele origin: germline. Affected: yes.
Comment: Not observed at significant frequency in large population cohorts (gnomAD); In silico analysis supports that this missense variant does not alter protein structure/function; Has not been previously published as pathogenic or benign to our knowledge; This variant is associated with the following publications: (PMID: 15923622)